The following is an entry in ClinVar:

ClinVar aggregate classification (germline): Uncertain significance. Review status: criteria provided, multiple submitters, no conflicts (2 of 4 stars). 2 submissions from 2 submitters: Uncertain significance (2). Last evaluated 2024-03-30.

Conditions:
Inborn genetic diseases. Identifiers: MedGen C0950123, MeSH D030342.
Hereditary hemochromatosis (HFE). Identifiers: MedGen C0392514, MONDO:0006507. Disease mechanism: loss of function.

Allele frequency attached by ClinVar (database versions not stated): gnomAD exomes 0.00001 and 0.00004; ExAC 0.00002; TOPMed 0.00002.
gnomAD v4.1: 20 of 1,613,986 alleles (0.0012%); highest among the groups gnomAD compares: East Asian, 0.045%; 1 homozygote.

Submissions (2):

Ambry Genetics
Classification: Uncertain significance for Inborn genetic diseases. Last evaluated: 2024-03-30. Review status: criteria provided, single submitter. Criteria: Ambry Variant Classification Scheme 2023. Collection method: clinical testing. Allele origin: germline.

Labcorp Genetics (formerly Invitae), Labcorp
Classification: Uncertain significance for Hereditary hemochromatosis. Last evaluated: 2021-09-01. Review status: criteria provided, single submitter. Criteria: Invitae Variant Classification Sherloc (09022015). Collection method: clinical testing. Allele origin: germline.
Comment: This sequence change replaces glycine with valine at codon 337 of the HFE protein (p.Gly337Val). The glycine residue is highly conserved and there is a moderate physicochemical difference between glycine and valine. This variant is present in population databases (rs751707198, ExAC 0.03%). This variant has not been reported in the literature in individuals affected with HFE-related conditions. Algorithms developed to predict the effect of missense changes on protein structure and function are either unavailable or do not agree on the potential impact of this missense change (SIFT: "Deleterious"; PolyPhen-2: "Possibly Damaging"; Align-GVGD: "Class C0"). In summary, the available evidence is currently insufficient to determine the role of this variant in disease. Therefore, it has been classified as a Variant of Uncertain Significance.

NM_000410.4(HFE):c.1010G>T (p.Gly337Val)

Gene: HFE (homeostatic iron regulator; plus strand). Cytogenetic location: 6p22.2.
Variant type: single nucleotide variant.
Coding change: c.1010G>T on transcript NM_000410.4 (MANE Select); coding-DNA position 1010, G replaced by T.
Protein change: p.Gly337Val; replaces glycine 337 with valine.
Molecular consequence: missense variant. On other transcripts: intron variant (2).
Genome position (GRCh38, 1-based): chr6:26,094,189, G>T. VCF-style: chr6-26094189-G-T. GRCh37 (hg19) VCF-style: chr6-26094417-G-T.
Other names: c.1010G>T, p.Gly337Val (NM_001384164.1); c.1001G>T, p.Gly334Val (NM_001406751.1); c.692G>T, p.Gly231Val (NM_139003.3); c.734G>T, p.Gly245Val (NM_139004.3); c.968G>T, p.Gly323Val (NM_139006.3); c.746G>T, p.Gly249Val (NM_139007.3); c.704G>T, p.Gly235Val (NM_139008.3); c.941G>T, p.Gly314Val (NM_139009.3); and 4 more; short protein forms G337V, G235V, G245V, G249V, G157V, G231V, G65V, G314V.
Identifiers: ClinVar variation 461190 (VCV000461190.6), dbSNP rs751707198, ClinGen allele CA3666814.